The following is an entry in ClinVar:

NM_000079.4(CHRNA1):c.556G>C (p.Asp186His)

Gene: CHRNA1 (cholinergic receptor nicotinic alpha 1 subunit; minus strand). Cytogenetic location: 2q31.1.
Variant type: single nucleotide variant.
Coding change: c.556G>C on transcript NM_000079.4 (MANE Select); coding-DNA position 556, G replaced by C.
Protein change: p.Asp186His; replaces aspartic acid 186 with histidine.
Molecular consequence: missense variant.
Genome position (GRCh38, 1-based): chr2:174,753,725, C>G on the plus strand (G>C on the coding strand, the complement: CHRNA1 is on the minus strand). VCF-style: chr2-174753725-C-G. GRCh37 (hg19) VCF-style: chr2-175618453-C-G.
Other names: c.631G>C, p.Asp211His (NM_001039523.3); short protein forms D211H, D186H.
Identifiers: ClinVar variation 2701234 (VCV002701234.3), dbSNP rs1208838836, ClinGen allele CA349340496.

ClinVar aggregate classification (germline): Uncertain significance (1 of 4 stars; one submission).

Conditions:
Lethal multiple pterygium syndrome (LMPS). Identifiers: Orphanet 33108, MedGen C1854678, MONDO:0009668, OMIM 253290.

gnomAD v4.1: 1 of 1,614,078 alleles (0.000062%); highest among the groups gnomAD compares: Admixed American, 0.0017%; no homozygotes.

Submission:

Labcorp Genetics (formerly Invitae), Labcorp
Classification: Uncertain significance for Lethal multiple pterygium syndrome. Last evaluated: 2023-12-06. Review status: criteria provided, single submitter. Criteria: Invitae Variant Classification Sherloc (09022015). Collection method: clinical testing. Allele origin: germline.
Comment: This sequence change replaces aspartic acid, which is acidic and polar, with histidine, which is basic and polar, at codon 186 of the CHRNA1 protein (p.Asp186His). This variant is not present in population databases (gnomAD no frequency). This variant has not been reported in the literature in individuals affected with CHRNA1-related conditions. Advanced modeling of protein sequence and biophysical properties (such as structural, functional, and spatial information, amino acid conservation, physicochemical variation, residue mobility, and thermodynamic stability) performed at Invitae indicates that this missense variant is not expected to disrupt CHRNA1 protein function with a negative predictive value of 80%. In summary, the available evidence is currently insufficient to determine the role of this variant in disease. Therefore, it has been classified as a Variant of Uncertain Significance.